The following is an entry in ClinVar:

NM_001105206.3(LAMA4):c.1357+15C>G

Gene: LAMA4 (laminin subunit alpha 4; minus strand). Cytogenetic location: 6q21.
Variant type: single nucleotide variant.
Coding change: c.1357+15C>G on transcript NM_001105206.3 (MANE Select); 15 bases into the intron after coding-DNA position 1357, C replaced by G.
Molecular consequence: intron variant.
Genome position (GRCh38, 1-based): chr6:112,175,298, G>C on the plus strand (C>G on the coding strand, the complement: LAMA4 is on the minus strand). VCF-style: chr6-112175298-G-C. GRCh37 (hg19) VCF-style: chr6-112496500-G-C.
Other names: c.1336+15C>G (NM_002290.5, NM_001105207.3, LRG_433t2).
Identifiers: ClinVar variation 386596 (VCV000386596.8), dbSNP rs782734095, ClinGen allele CA3965802.
Genomic context (GRCh38, chr6:112,175,298, plus strand): 5'-AGGTTTAATGTCTGCTATTGGACCCACAAAGAGGGCAAACATGTGCTGGGTCAGCTATGA[G>C]AGGAATACACCTACGTTCGTAAGCCTCATCTGCCTCCTCATCCACGAGCTCCCGTTGGGT-3'

ClinVar aggregate classification (germline): Likely benign. Review status: criteria provided, multiple submitters, no conflicts (2 of 4 stars). 2 submissions from 2 submitters: Likely benign (2). Last evaluated 2025-10-20.

Conditions:
Dilated cardiomyopathy 1JJ (CMD1JJ). Identifiers: Orphanet 154, MedGen C3808935, MONDO:0014095, OMIM 615235.

Allele frequency attached by ClinVar (database versions not stated): gnomAD 0.00003 and 0.00004; gnomAD exomes 0.00003 and 0.00006; TOPMed 0.00003; ExAC 0.00008.
gnomAD v4.1: 51 of 1,613,242 alleles (0.0032%); highest among the groups gnomAD compares: Non-Finnish European, 0.0042%; no homozygotes.

Submissions (2):

Labcorp Genetics (formerly Invitae), Labcorp
Classification: Likely benign for Dilated cardiomyopathy 1JJ. Last evaluated: 2025-10-20. Review status: criteria provided, single submitter. Criteria: Invitae Variant Classification Sherloc (09022015). Collection method: clinical testing. Allele origin: germline.

GeneDx
Classification: Likely benign. Last evaluated: 2016-05-27. Review status: criteria provided, single submitter. Criteria: GeneDx Variant Classification (06012015). Collection method: clinical testing. Allele origin: germline. Affected: yes.
Comment: This variant is considered likely benign or benign based on one or more of the following criteria: it is a conservative change, it occurs at a poorly conserved position in the protein, it is predicted to be benign by multiple in silico algorithms, and/or has population frequency not consistent with disease.